The following is an entry in ClinVar:

NM_001105206.3(LAMA4):c.107T>A (p.Ile36Asn)

Genes: LAMA4 (laminin subunit alpha 4; minus strand), LAMA4-AS1 (LAMA4 antisense RNA 1; plus strand). Cytogenetic location: 6q21.
Variant type: single nucleotide variant.
Coding change: c.107T>A on transcript NM_001105206.3 (MANE Select); coding-DNA position 107, T replaced by A.
Protein change: p.Ile36Asn; replaces isoleucine 36 with asparagine.
Molecular consequence: missense variant.
Genome position (GRCh38, 1-based): chr6:112,254,044, A>T on the plus strand (T>A on the coding strand, the complement: LAMA4 is on the minus strand). VCF-style: chr6-112254044-A-T. GRCh37 (hg19) VCF-style: chr6-112575246-A-T.
Other names: c.107T>A, p.Ile36Asn (NM_001105207.3, NM_001105208.3, NM_001105209.3 and 1 more transcripts); short protein forms I36N.
Identifiers: ClinVar variation 1786119 (VCV001786119.2), dbSNP rs70940809, ClinGen allele CA365518830.

ClinVar aggregate classification (germline): Uncertain significance (1 of 4 stars; one submission).

Conditions:
Cardiovascular phenotype. Identifiers: MedGen CN230736.

gnomAD v4.1: 1 of 1,601,784 alleles (0.000062%); highest among the groups gnomAD compares: Non-Finnish European, 0.000085%; no homozygotes.

Submission:

Ambry Genetics
Classification: Uncertain significance for Cardiovascular phenotype. Last evaluated: 2022-06-14. Review status: criteria provided, single submitter. Criteria: Ambry Variant Classification Scheme 2023. Collection method: clinical testing. Allele origin: germline.
Comment: The p.I36N variant (also known as c.107T>A), located in coding exon 1 of the LAMA4 gene, results from a T to A substitution at nucleotide position 107. The isoleucine at codon 36 is replaced by asparagine, an amino acid with dissimilar properties. This amino acid position is conserved. In addition, this alteration is predicted to be tolerated by in silico analysis. Since supporting evidence is limited at this time, the clinical significance of this alteration remains unclear.